The following is an entry in ClinVar:

NM_017617.5(NOTCH1):c.7231C>T (p.Pro2411Ser)

Gene: NOTCH1 (notch receptor 1; minus strand). Cytogenetic location: 9q34.3.
Variant type: single nucleotide variant.
Coding change: c.7231C>T on transcript NM_017617.5 (MANE Select); coding-DNA position 7231, C replaced by T.
Protein change: p.Pro2411Ser; replaces proline 2411 with serine.
Molecular consequence: missense variant.
Genome position (GRCh38, 1-based): chr9:136,496,508, G>A on the plus strand (C>T on the coding strand, the complement: NOTCH1 is on the minus strand). VCF-style: chr9-136496508-G-A. GRCh37 (hg19) VCF-style: chr9-139390960-G-A.
Other names: short protein forms P2411S.
Identifiers: ClinVar variation 1757821 (VCV001757821.4), dbSNP rs2540420813, ClinGen allele CA375627591.

ClinVar aggregate classification (germline): Uncertain significance. Review status: criteria provided, multiple submitters, no conflicts (2 of 4 stars). 2 submissions from 2 submitters: Uncertain significance (2). Last evaluated 2025-09-17.

Conditions:
Adams-Oliver syndrome 5 (AOS5). Identifiers: Orphanet 974, MedGen C4014970, MONDO:0014459, OMIM 616028.
Familial thoracic aortic aneurysm and aortic dissection (TAAD). Also called: Thoracic aortic aneurysms and dissections. Identifiers: Orphanet 91387, MedGen C4707243, MONDO:0019625.

Submissions (2):

Labcorp Genetics (formerly Invitae), Labcorp
Classification: Uncertain significance for Adams-Oliver syndrome 5. Last evaluated: 2025-09-17. Review status: criteria provided, single submitter. Criteria: Invitae Variant Classification Sherloc (09022015). Collection method: clinical testing. Allele origin: germline.
Comment: This sequence change replaces proline, which is neutral and non-polar, with serine, which is neutral and polar, at codon 2411 of the NOTCH1 protein (p.Pro2411Ser). This variant is not present in population databases (gnomAD no frequency). This variant has not been reported in the literature in individuals affected with NOTCH1-related conditions. ClinVar contains an entry for this variant (Variation ID: 1757821). Invitae Evidence Modeling of protein sequence and biophysical properties (such as structural, functional, and spatial information, amino acid conservation, physicochemical variation, residue mobility, and thermodynamic stability) indicates that this missense variant is not expected to disrupt NOTCH1 protein function with a negative predictive value of 80%. In summary, the available evidence is currently insufficient to determine the role of this variant in disease. Therefore, it has been classified as a Variant of Uncertain Significance.

Ambry Genetics
Classification: Uncertain significance for Familial thoracic aortic aneurysm and aortic dissection. Last evaluated: 2025-06-07. Review status: criteria provided, single submitter. Criteria: Ambry Variant Classification Scheme 2023. Collection method: clinical testing. Allele origin: germline.
Comment: The p.P2411S variant (also known as c.7231C>T), located in coding exon 34 of the NOTCH1 gene, results from a C to T substitution at nucleotide position 7231. The proline at codon 2411 is replaced by serine, an amino acid with similar properties. This amino acid position is conserved. In addition, this alteration is predicted to be tolerated by in silico analysis. Since supporting evidence is limited at this time, the clinical significance of this alteration remains unclear.